The following is an entry in ClinVar:

NM_000059.4(BRCA2):c.6082_6086del (p.Glu2028fs)

Gene: BRCA2 (BRCA2 DNA repair associated; plus strand). Cytogenetic location: 13q13.1.
Variant type: Deletion.
Coding change: c.6082_6086del on transcript NM_000059.4 (MANE Select); coding-DNA positions 6082 to 6086, 5 bases deleted (GAAGA; older notation c.6082_6086delGAAGA).
Protein change: p.Glu2028fs; shifts the reading frame from glutamic acid 2028.
Molecular consequence: frameshift variant.
Genome position (GRCh38, 1-based): chr13:32,340,437-32,340,441, GAAGA deleted; deleting any 5 consecutive bases within chr13:32,340,433-32,340,441 gives the same sequence; the c. name uses the placement nearest the transcript's 3' end. VCF-style (leftmost placement, unchanged base first): chr13-32340432-CAAGAG-C. GRCh37 (hg19) VCF-style: chr13-32914569-CAAGAG-C.
Other names: NP_000050.3:p.Glu2028LysfsTer19; 6310del5; c.6082_6086delGAAGA (NM_000059.3).
Identifiers: ClinVar variation 52007 (VCV000052007.67), dbSNP rs80359558, ClinGen allele CA023627.

ClinVar aggregate classification (germline): Pathogenic. Review status: reviewed by expert panel (3 of 4 stars). 24 submissions from 23 submitters: Pathogenic (1). 23 of the submissions do not count toward it. Last evaluated 2016-09-08.

Conditions:
Inherited breast cancer and ovarian cancer.
Inherited ovarian cancer (without breast cancer).
NICE approved PARP inhibitor treatment.
Hereditary cancer-predisposing syndrome. Also called: Hereditary neoplastic syndrome; Neoplastic Syndromes, Hereditary; Hereditary Cancer Syndrome; Tumor predisposition. Identifiers: Orphanet 140162, MedGen C0027672, MeSH D009386, MONDO:0015356.
Breast and/or ovarian cancer. Identifiers: MedGen CN221562.
Hereditary breast ovarian cancer syndrome. Also called: Hereditary breast and ovarian cancer; Breast and ovarian cancer; BRCA1- and BRCA2-Associated Hereditary Breast and Ovarian Cancer; Hereditary breast and/or ovarian cancer syndrome; Hereditary breast and ovarian cancer syndrome (HBOC); Hereditary breast and ovarian cancer syndrome. Identifiers: Orphanet 145, MedGen C0677776, MeSH D061325, MONDO:0003582. Disease mechanism: loss of function.
Breast-ovarian cancer, familial, susceptibility to, 2 (BROVCA2). Also called: BRCA2 Hereditary Breast and Ovarian Cancer. Identifiers: Orphanet 145, MedGen C2675520, MONDO:0012933, OMIM 612555. Disease mechanism: loss of function.
Malignant tumor of breast. Also called: Malignant breast neoplasm; Cancer breast. Identifiers: MedGen C0006142, MONDO:0007254. Disease mechanism: loss of function.
Familial cancer of breast. Also called: Hereditary breast cancer; BREAST CANCER, FAMILIAL; hereditary breast carcinoma. Identifiers: Orphanet 227535, MedGen C0346153, MONDO:0016419, OMIM 114480. Disease mechanism: loss of function.

Submissions 1 to 11 of 24:

Evidence-based Network for the Interpretation of Germline Mutant Alleles (ENIGMA)
Classification: Pathogenic for Breast-ovarian cancer, familial, susceptibility to, 2. Last evaluated: 2016-09-08. Review status: reviewed by expert panel. Criteria: ENIGMA BRCA1/2 Classification Criteria (2015). Collection method: curation. Allele origin: germline.
Comment: Variant allele predicted to encode a truncated non-functional protein.

Genetics Laboratory, Great Ormond Street Hospital NHS Foundation Trust, North Thames Genomic Laboratory Hub
Classification: Pathogenic for Inherited breast cancer and ovarian cancer. Last evaluated: 2026-07-14. Review status: criteria provided, single submitter. Criteria: CanVIG BRCA Gene Specific V1.22. Collection method: clinical testing. Allele origin: germline. Affected: yes. Not counted in ClinVar's aggregate classification.
Comment: PS4_supporting, PM2_supporting, PVS1_very-strong, PM5_strong

Genetics Laboratory, Great Ormond Street Hospital NHS Foundation Trust, North Thames Genomic Laboratory Hub
Classification: Pathogenic for Inherited ovarian cancer (without breast cancer). Last evaluated: 2026-07-01. Review status: criteria provided, single submitter. Criteria: CanVIG BRCA Gene Specific V1.22. Collection method: clinical testing. Allele origin: germline. Affected: yes. Not counted in ClinVar's aggregate classification.
Comment: the same text as in the submission from Genetics Laboratory, Great Ormond Street Hospital NHS Foundation Trust, North Thames Genomic Laboratory Hub above.

Center for Genomic Medicine, Rigshospitalet, Copenhagen University Hospital
Classification: Pathogenic. Last evaluated: 2025-12-29. Review status: criteria provided, single submitter. Criteria: ACMG Guidelines, 2015. Collection method: clinical testing. Allele origin: germline. Not counted in ClinVar's aggregate classification.

Labcorp Genetics (formerly Invitae), Labcorp
Classification: Pathogenic for Hereditary breast ovarian cancer syndrome. Last evaluated: 2025-11-10. Review status: criteria provided, single submitter. Criteria: Invitae Variant Classification Sherloc (09022015). Collection method: clinical testing. Allele origin: germline. Not counted in ClinVar's aggregate classification.
Comment: This sequence change creates a premature translational stop signal (p.Glu2028Lysfs*19) in the BRCA2 gene. It is expected to result in an absent or disrupted protein product. Loss-of-function variants in BRCA2 are known to be pathogenic (PMID: 20104584). This variant is present in population databases (rs758052728, gnomAD 0.003%). This premature translational stop signal has been observed in individual(s) with breast and/or ovarian cancer (PMID: 11389159, 21120943, 26028024, 26360800, 26541979, 26681312). This variant is also known as 6310del5. ClinVar contains an entry for this variant (Variation ID: 52007). For these reasons, this variant has been classified as Pathogenic.

Ambry Genetics
Classification: Pathogenic for Hereditary cancer-predisposing syndrome. Last evaluated: 2025-06-20. Review status: criteria provided, single submitter. Criteria: Ambry Variant Classification Scheme 2023. Collection method: clinical testing. Allele origin: germline. Not counted in ClinVar's aggregate classification.
Comment: The c.6082_6086delGAAGA pathogenic mutation, located in coding exon 10 of the BRCA2 gene, results from a deletion of 5 nucleotides between positions 6082 and 6086, causing a translational frameshift with a predicted alternate stop codon (p.E2028Kfs*19). Of note, this mutation is also designated as 6310del5 in published literature. In addition to the clinical data presented in the literature, this alteration is expected to result in loss of function by premature protein truncation or nonsense-mediated mRNA decay. As such, this alteration is interpreted as a disease-causing mutation.

Color Diagnostics, LLC DBA Color Health
Classification: Pathogenic for Hereditary cancer-predisposing syndrome. Last evaluated: 2024-10-07. Review status: criteria provided, single submitter. Criteria: ACMG Guidelines, 2015. Collection method: clinical testing. Allele origin: germline. Not counted in ClinVar's aggregate classification.
Comment: This variant deletes 5 nucleotides in exon 11 of the BRCA2 gene, creating a frameshift and premature translation stop signal. This variant is expected to result in an absent or non-functional protein product.This variant has been reported in at least eight individuals affected with breast and ovarian cancer (PMID: 11389159, 26028024, 26360800, 26541979, 26681312, 26733283, 28993434, 29470806, 30720863, 35464868). This variant has been identified in 1/250972 chromosomes in the general population by the Genome Aggregation Database (gnomAD). Loss of BRCA2 function is a known mechanism of disease. Based on the available evidence, this variant is classified as Pathogenic.

Women's Health and Genetics/Laboratory Corporation of America, LabCorp
Classification: Pathogenic for Hereditary breast ovarian cancer syndrome. Last evaluated: 2024-10-07. Review status: criteria provided, single submitter. Criteria: LabCorp Variant Classification Summary - May 2015. Collection method: clinical testing. Allele origin: germline. Not counted in ClinVar's aggregate classification.
Comment: Variant summary: BRCA2 c.6082_6086delGAAGA (p.Glu2028LysfsX19) results in a premature termination codon, predicted to cause a truncation of the encoded protein or absence of the protein due to nonsense mediated decay, which are commonly known mechanisms for disease. The variant allele was found at a frequency of 4e-06 in 250972 control chromosomes. c.6082_6086delGAAGA has been reported in the literature in at-least one individual affected with bilateral breast cancer (example: Fanale_2020). The following publication has been ascertained in the context of this evaluation (PMID: 32854451). ClinVar contains an entry for this variant (Variation ID: 52007). Based on the evidence outlined above, the variant was classified as pathogenic.

GeneDx
Classification: Pathogenic. Last evaluated: 2024-06-05. Review status: criteria provided, single submitter. Criteria: GeneDx Variant Classification Process June 2021. Collection method: clinical testing. Allele origin: germline. Affected: yes. Not counted in ClinVar's aggregate classification.
Comment: Frameshift variant predicted to result in protein truncation or nonsense mediated decay in a gene for which loss of function is a known mechanism of disease; Not observed at significant frequency in large population cohorts (gnomAD); Truncating variants in this gene are considered pathogenic by a well-established clinical consortium and/or database; Also known as 6310_6314del; This variant is associated with the following publications: (PMID: 32854451, 11389159, 26360800, 30720243, 29470806, 30720863, 28993434, 31263571, 34326862, 21120943, 26733283, 26681312, 26028024, 26541979, 35464868, 37445679, 37197323, 37528630, 35411189)

Department of Clinical Genetics, Copenhagen University Hospital, Rigshospitalet
Classification: Pathogenic for Breast-ovarian cancer, familial, susceptibility to, 2. Last evaluated: 2024-05-27. Review status: criteria provided, single submitter. Criteria: ACMG Guidelines, 2015. Collection method: clinical testing. Allele origin: germline. Affected: yes. Not counted in ClinVar's aggregate classification.
Comment: PVS1; PM5_PTC_Strong

Genomics and Molecular Medicine Service, East Genomic Laboratory Hub, NHS Genomic Medicine Service
Classification: Pathogenic for NICE approved PARP inhibitor treatment. Last evaluated: 2024-05-09. Review status: criteria provided, single submitter. Criteria: ACGS Best Practice Guidelines for Variant Classification in Rare Disease 2020. Collection method: clinical testing. Allele origin: germline. Affected: yes. Not counted in ClinVar's aggregate classification.
Comment: PVS1,PS4_Moderate,PM2_Supporting